The following is an entry in ClinVar:

NM_000733.4(CD3E):c.310A>T (p.Lys104Ter)

Gene: CD3E (CD3 epsilon subunit of T-cell receptor complex; plus strand). Cytogenetic location: 11q23.3.
Variant type: single nucleotide variant.
Coding change: c.310A>T on transcript NM_000733.4 (MANE Select); coding-DNA position 310, A replaced by T.
Protein change: p.Lys104Ter; replaces lysine 104 with a stop codon.
Molecular consequence: nonsense.
Genome position (GRCh38, 1-based): chr11:118,312,824, A>T. VCF-style: chr11-118312824-A-T. GRCh37 (hg19) VCF-style: chr11-118183539-A-T.
Other names: short protein forms K104*.
Identifiers: ClinVar variation 3647560 (VCV003647560.2).

ClinVar aggregate classification (germline): Pathogenic (1 of 4 stars; one submission).

Conditions:
Immunodeficiency 18 (IMD18). Also called: CD3-EPSILON DEFICIENCY; CD3epsilon deficiency. Identifiers: MedGen C3810127, MONDO:0014278, OMIM 615615.

Submission:

Labcorp Genetics (formerly Invitae), Labcorp
Classification: Pathogenic for Immunodeficiency 18. Last evaluated: 2024-03-25. Review status: criteria provided, single submitter. Criteria: Invitae Variant Classification Sherloc (09022015). Collection method: clinical testing. Allele origin: germline.
Comment: This sequence change creates a premature translational stop signal (p.Lys104*) in the CD3E gene. It is expected to result in an absent or disrupted protein product. Loss-of-function variants in CD3E are known to be pathogenic (PMID: 8490660, 15546002). This variant is not present in population databases (gnomAD no frequency). This variant has not been reported in the literature in individuals affected with CD3E-related conditions. Algorithms developed to predict the effect of sequence changes on RNA splicing suggest that this variant may disrupt the consensus splice site. For these reasons, this variant has been classified as Pathogenic.

Literature cited by the submitters: PubMed 8490660; PubMed 15546002.